The following is an entry in ClinVar:

NM_000142.5(FGFR3):c.740-17G>A

Gene: FGFR3 (fibroblast growth factor receptor 3; plus strand). Cytogenetic location: 4p16.3.
Variant type: single nucleotide variant.
Coding change: c.740-17G>A on transcript NM_000142.5 (MANE Select); 17 bases into the intron before coding-DNA position 740, G replaced by A.
Molecular consequence: intron variant.
Genome position (GRCh38, 1-based): chr4:1,801,818, G>A. VCF-style: chr4-1801818-G-A. GRCh37 (hg19) VCF-style: chr4-1803545-G-A.
Other names: c.740-17G>A (NM_001163213.2, NM_001354809.2, NM_001354810.2 and 1 more transcripts).
Identifiers: ClinVar variation 507999 (VCV000507999.17), dbSNP rs371424896, ClinGen allele CA2809968.

ClinVar aggregate classification (germline): Likely benign. Review status: criteria provided, multiple submitters, no conflicts (2 of 4 stars). 4 submissions from 4 submitters: Likely benign (4). Last evaluated 2025-04-16.

Allele frequency attached by ClinVar (database versions not stated): gnomAD exomes 0.00005; ExAC 0.00006; TOPMed 0.00009; gnomAD 0.00010 and 0.00011; ESP Exome Variant Server 0.00016.

Submissions (4):

Labcorp Genetics (formerly Invitae), Labcorp
Classification: Likely benign. Last evaluated: 2025-04-16. Review status: criteria provided, single submitter. Criteria: Invitae Variant Classification Sherloc (09022015). Collection method: clinical testing. Allele origin: germline.

Blueprint Genetics
Classification: Likely benign. Last evaluated: 2023-10-21. Review status: criteria provided, single submitter. Criteria: ACMG Guidelines, 2015. Collection method: clinical testing. Allele origin: germline.

ARUP Laboratories, Molecular Genetics and Genomics, ARUP Laboratories
Classification: Likely benign. Last evaluated: 2021-03-20. Review status: criteria provided, single submitter. Criteria: ARUP Molecular Germline Variant Investigation Process 2021. Collection method: clinical testing. Allele origin: germline.

GeneDx
Classification: Likely benign. Last evaluated: 2017-03-10. Review status: criteria provided, single submitter. Criteria: GeneDx Variant Classification (06012015). Collection method: clinical testing. Allele origin: germline. Affected: yes.
Comment: This variant is considered likely benign or benign based on one or more of the following criteria: it is a conservative change, it occurs at a poorly conserved position in the protein, it is predicted to be benign by multiple in silico algorithms, and/or has population frequency not consistent with disease.